The following is an entry in ClinVar:

NM_022168.4(IFIH1):c.337G>T (p.Glu113Ter)

Gene: IFIH1 (interferon induced with helicase C domain 1; minus strand). Cytogenetic location: 2q24.2.
Variant type: single nucleotide variant.
Coding change: c.337G>T on transcript NM_022168.4 (MANE Select); coding-DNA position 337, G replaced by T.
Protein change: p.Glu113Ter; replaces glutamic acid 113 with a stop codon.
Molecular consequence: nonsense.
Genome position (GRCh38, 1-based): chr2:162,317,971, C>A on the plus strand (G>T on the coding strand, the complement: IFIH1 is on the minus strand). VCF-style: chr2-162317971-C-A. GRCh37 (hg19) VCF-style: chr2-163174481-C-A.
Other names: short protein forms E113*.
Identifiers: ClinVar variation 2132634 (VCV002132634.4), dbSNP rs1419235573, ClinGen allele CA349013581.
Genomic context (GRCh38, chr2:162,317,971, plus strand): 5'-CTCTAACTAGAAGCTTGTCCACCAGAGTGGGCTGAAGGAGGTTCAGCAGTTGGAGATATT[C>A]ATCATGAGCGTTCTCAAACGATGGAGAGGGCAAGTCCGTGAGCTCAGGGTTCATGTAGCG-3'

ClinVar aggregate classification (germline): Uncertain significance (1 of 4 stars; one submission).

Conditions:
Aicardi-Goutieres syndrome 7 (AGS7). Identifiers: Orphanet 51, MedGen C3888244, MONDO:0014367, OMIM 615846.
Singleton-Merten syndrome 1 (SGMRT1). Also called: Widened medullary cavities of bone, aortic calcification, abnormal dentition, and muscular weakness; Syndrome of widened medullary cavities of the metacarpals and phalanges, aortic calcification and abnormal dentition. Identifiers: Orphanet 85191, MedGen C4225427, MONDO:0024535, OMIM 182250.

gnomAD v4.1: 3 of 1,614,202 alleles (0.00019%); highest among the groups gnomAD compares: Non-Finnish European, 0.00025%; no homozygotes.

Submission:

Labcorp Genetics (formerly Invitae), Labcorp
Classification: Uncertain significance for Aicardi-Goutieres syndrome 7; Singleton-Merten syndrome 1. Last evaluated: 2025-01-22. Review status: criteria provided, single submitter. Criteria: Invitae Variant Classification Sherloc (09022015). Collection method: clinical testing. Allele origin: germline.
Comment: This sequence change creates a premature translational stop signal (p.Glu113*) in the IFIH1 gene. It is expected to result in an absent or disrupted protein product. However, the current clinical and genetic evidence is not sufficient to establish whether loss-of-function variants in IFIH1 cause disease. This variant is not present in population databases (gnomAD no frequency). This variant has not been reported in the literature in individuals affected with IFIH1-related conditions. This premature translational stop signal has been observed in at least one individual who was not affected with IFIH1-related conditions (internal data). ClinVar contains an entry for this variant (Variation ID: 2132634). In summary, the available evidence is currently insufficient to determine the role of this variant in disease. Therefore, it has been classified as a Variant of Uncertain Significance.